The following is an entry in ClinVar:

ClinVar aggregate classification (germline): Uncertain significance (1 of 4 stars; one submission).

Conditions:
Brugada syndrome. Also called: Sudden unexpected nocturnal death syndrome; Sudden unexplained nocturnal death syndrome; Sudden Unexplained Death Syndrome; Sudden Unexplained Nocturnal Death Syndrome (SUNDS). Identifiers: Orphanet 130, MedGen C1142166, MONDO:0015263.

Submission:

Labcorp Genetics (formerly Invitae), Labcorp
Classification: Uncertain significance for Brugada syndrome. Last evaluated: 2022-03-18. Review status: criteria provided, single submitter. Criteria: Invitae Variant Classification Sherloc (09022015). Collection method: clinical testing. Allele origin: germline.
Comment: This sequence change replaces lysine, which is basic and polar, with glutamine, which is neutral and polar, at codon 463 of the SCN10A protein (p.Lys463Gln). This variant is not present in population databases (gnomAD no frequency). This variant has not been reported in the literature in individuals affected with SCN10A-related conditions. Advanced modeling of protein sequence and biophysical properties (such as structural, functional, and spatial information, amino acid conservation, physicochemical variation, residue mobility, and thermodynamic stability) performed at Invitae indicates that this missense variant is not expected to disrupt SCN10A protein function. In summary, the available evidence is currently insufficient to determine the role of this variant in disease. Therefore, it has been classified as a Variant of Uncertain Significance.

NM_006514.4(SCN10A):c.1387A>C (p.Lys463Gln)

Gene: SCN10A (sodium voltage-gated channel alpha subunit 10; minus strand). Cytogenetic location: 3p22.2.
Variant type: single nucleotide variant.
Coding change: c.1387A>C on transcript NM_006514.4 (MANE Select); coding-DNA position 1387, A replaced by C.
Protein change: p.Lys463Gln; replaces lysine 463 with glutamine.
Molecular consequence: missense variant.
Genome position (GRCh38, 1-based): chr3:38,755,862, T>G on the plus strand (A>C on the coding strand, the complement: SCN10A is on the minus strand). VCF-style: chr3-38755862-T-G. GRCh37 (hg19) VCF-style: chr3-38797353-T-G.
Other names: c.1387A>C, p.Lys463Gln (NM_001293306.2, NM_001293307.2); short protein forms K463Q.
Identifiers: ClinVar variation 1477355 (VCV001477355.8), dbSNP rs2126027100, ClinGen allele CA352168912.